The following is an entry in ClinVar:

NM_000540.3(RYR1):c.10010G>A (p.Arg3337Gln)

Gene: RYR1 (ryanodine receptor 1; plus strand). Cytogenetic location: 19q13.2.
Variant type: single nucleotide variant.
Coding change: c.10010G>A on transcript NM_000540.3 (MANE Select); coding-DNA position 10010, G replaced by A.
Protein change: p.Arg3337Gln; replaces arginine 3337 with glutamine.
Molecular consequence: missense variant.
Genome position (GRCh38, 1-based): chr19:38,517,683, G>A. VCF-style: chr19-38517683-G-A. GRCh37 (hg19) VCF-style: chr19-39008323-G-A.
Other names: c.10010G>A, p.Arg3337Gln (NM_001042723.2); short protein forms R3337Q.
Identifiers: ClinVar variation 1514185 (VCV001514185.6), dbSNP rs868761398, ClinGen allele CA308130088.

ClinVar aggregate classification (germline): Uncertain significance. Review status: criteria provided, multiple submitters, no conflicts (2 of 4 stars). 4 submissions from 4 submitters: Uncertain significance (4). Last evaluated 2025-12-22.

Conditions:
RYR1-related disorder. Also called: RYR1-related disorders; RYR1-related condition. Identifiers: MedGen CN239331.
Malignant hyperthermia, susceptibility to, 1 (MHS1). Also called: RYR1-Related Malignant Hyperthermia Susceptibility; Malignant hyperthermia suceptibility 1; Anesthesia related hyperthermia; Malignant hyperpyrexia; Fulminating hyperpyrexia; Pharmacogenic myopathy. Identifiers: Orphanet 423, MedGen C2930980, MONDO:0007783, OMIM 145600.

Allele frequency attached by ClinVar (database versions not stated): gnomAD 0.00001; gnomAD exomes 0.00001; TOPMed 0.00002.
gnomAD v4.1: 13 of 1,614,042 alleles (0.00081%); highest among the groups gnomAD compares: Admixed American, 0.0033%; no homozygotes.

Submissions (4):

Labcorp Genetics (formerly Invitae), Labcorp
Classification: Uncertain significance for RYR1-related disorder. Last evaluated: 2025-12-22. Review status: criteria provided, single submitter. Criteria: Invitae Variant Classification Sherloc (09022015). Collection method: clinical testing. Allele origin: germline.
Comment: This sequence change replaces arginine, which is basic and polar, with glutamine, which is neutral and polar, at codon 3337 of the RYR1 protein (p.Arg3337Gln). This variant is present in population databases (no rsID available, gnomAD 0.003%). This missense change has been observed in individual(s) with clinical features of RYR1-related myopathy (PMID: 37510298). ClinVar contains an entry for this variant (Variation ID: 1514185). Invitae Evidence Modeling of protein sequence and biophysical properties (such as structural, functional, and spatial information, amino acid conservation, physicochemical variation, residue mobility, and thermodynamic stability) indicates that this missense variant is not expected to disrupt RYR1 protein function with a negative predictive value of 80%. In summary, the available evidence is currently insufficient to determine the role of this variant in disease. Therefore, it has been classified as a Variant of Uncertain Significance.

Color Diagnostics, LLC DBA Color Health
Classification: Uncertain significance for Malignant hyperthermia, susceptibility to, 1. Last evaluated: 2025-10-21. Review status: criteria provided, single submitter. Criteria: ACMG Guidelines, 2015. Collection method: clinical testing. Allele origin: germline.
Comment: This missense variant replaces arginine with glutamine at codon 3337 of the RYR1 protein. Computational prediction suggests that this variant may have deleterious impact on protein structure and function. To our knowledge, functional studies have not been reported for this variant. This variant has not been reported in individuals affected with RYR1-related disorders in the literature. This variant has been identified in 2/248430 chromosomes in the general population by the Genome Aggregation Database (gnomAD). The available evidence is insufficient to determine the role of this variant in disease conclusively. Therefore, this variant is classified as a Variant of Uncertain Significance.

Revvity Omics, Revvity
Classification: Uncertain significance. Last evaluated: 2025-06-23. Review status: criteria provided, single submitter. Criteria: ACMG Guidelines, 2015. Collection method: clinical testing. Allele origin: germline.

Laboratorio de Genetica e Diagnostico Molecular, Hospital Israelita Albert Einstein
Classification: Uncertain significance for Malignant hyperthermia, susceptibility to, 1. Last evaluated: 2022-08-31. Review status: criteria provided, single submitter. Criteria: ACMG Guidelines, 2015. Collection method: clinical testing. Allele origin: germline. Affected: yes. Observed: 1 variant allele.
Comment: ACMG classification criteria: PM2 moderated, PP3 supporting

Literature cited by the submitters: PubMed 37510298 (cited by Labcorp Genetics (formerly Invitae), Labcorp).